The following is an entry in ClinVar:

ClinVar aggregate classification (germline): Uncertain significance (1 of 4 stars; one submission).

Allele frequency attached by ClinVar (database versions not stated): gnomAD exomes below 0.00001.
gnomAD v4.1: 1 of 1,614,070 alleles (0.000062%); highest among the groups gnomAD compares: Admixed American, 0.0017%; no homozygotes.

Submission:

Labcorp Genetics (formerly Invitae), Labcorp
Classification: Uncertain significance. Last evaluated: 2022-07-23. Review status: criteria provided, single submitter. Criteria: Invitae Variant Classification Sherloc (09022015). Collection method: clinical testing. Allele origin: germline.
Comment: This variant has not been reported in the literature in individuals affected with NBAS-related conditions. In summary, the available evidence is currently insufficient to determine the role of this variant in disease. Therefore, it has been classified as a Variant of Uncertain Significance. Algorithms developed to predict the effect of missense changes on protein structure and function are either unavailable or do not agree on the potential impact of this missense change (SIFT: "Deleterious"; PolyPhen-2: "Benign"; Align-GVGD: "Class C15"). This variant is present in population databases (rs777027127, gnomAD 0.003%). This sequence change replaces tyrosine, which is neutral and polar, with phenylalanine, which is neutral and non-polar, at codon 856 of the NBAS protein (p.Tyr856Phe).

NM_015909.4(NBAS):c.2567A>T (p.Tyr856Phe)

Gene: NBAS (NBAS subunit of NRZ tethering complex; minus strand). Cytogenetic location: 2p24.3.
Variant type: single nucleotide variant.
Coding change: c.2567A>T on transcript NM_015909.4 (MANE Select); coding-DNA position 2567, A replaced by T.
Protein change: p.Tyr856Phe; replaces tyrosine 856 with phenylalanine.
Molecular consequence: missense variant. On other transcripts: non-coding transcript variant (1).
Genome position (GRCh38, 1-based): chr2:15,424,325, T>A on the plus strand (A>T on the coding strand, the complement: NBAS is on the minus strand). VCF-style: chr2-15424325-T-A. GRCh37 (hg19) VCF-style: chr2-15564449-T-A.
Other names: short protein forms Y856F.
Identifiers: ClinVar variation 1973001 (VCV001973001.5), dbSNP rs777027127, ClinGen allele CA1536323.